The following is an entry in ClinVar:

NM_017654.4(SAMD9):c.4435G>A (p.Ala1479Thr)

Gene: SAMD9 (sterile alpha motif domain containing 9; minus strand). Cytogenetic location: 7q21.2.
Variant type: single nucleotide variant.
Coding change: c.4435G>A on transcript NM_017654.4 (MANE Select); coding-DNA position 4435, G replaced by A.
Protein change: p.Ala1479Thr; replaces alanine 1479 with threonine.
Molecular consequence: missense variant.
Genome position (GRCh38, 1-based): chr7:93,101,663, C>T on the plus strand (G>A on the coding strand, the complement: SAMD9 is on the minus strand). VCF-style: chr7-93101663-C-T. GRCh37 (hg19) VCF-style: chr7-92730976-C-T.
Other names: c.4435G>A, p.Ala1479Thr (NM_001193307.2); short protein forms A1479T.
Identifiers: ClinVar variation 3949448 (VCV003949448.1).

ClinVar aggregate classification (germline): Uncertain significance (1 of 4 stars; one submission).

Conditions:
Inborn genetic diseases. Identifiers: MedGen C0950123, MeSH D030342.

Submission:

Ambry Genetics
Classification: Uncertain significance for Inborn genetic diseases. Last evaluated: 2025-03-15. Review status: criteria provided, single submitter. Criteria: Ambry Variant Classification Scheme 2023. Collection method: clinical testing. Allele origin: germline.
Comment: The p.A1479T variant (also known as c.4435G>A), located in coding exon 1 of the SAMD9 gene, results from a G to A substitution at nucleotide position 4435. The alanine at codon 1479 is replaced by threonine, an amino acid with similar properties. This amino acid position is conserved. In addition, this alteration is predicted to be tolerated by in silico analysis. Based on the available evidence, the clinical significance of this variant remains unclear.